The following is an entry in ClinVar:

ClinVar aggregate classification (germline): Uncertain significance (1 of 4 stars; one submission).

Conditions:
Cernunnos-XLF deficiency (IMD124). Also called: SCID, AUTOSOMAL RECESSIVE, T CELL-NEGATIVE, B CELL-NEGATIVE, NK CELL-POSITIVE, WITH MICROCEPHALY, GROWTH RETARDATION, AND SENSITIVITY TO IONIZING RADIATION; Severe combined immunodeficiency with sensitivity to ionizing radiation due to NHEJ1 deficiency; SCID, autosomal recessive, T cell-negative, B cell-negative, NK cell-positive, and sensitivity to ionizing radiation due to NHEJ1 deficiency; IMMUNODEFICIENCY 124, SEVERE COMBINED; NHEJ1 SYNDROME. Identifiers: Orphanet 169079, MedGen C1969799, MONDO:0012650, OMIM 611291.

Allele frequency attached by ClinVar (database versions not stated): gnomAD exomes below 0.00001 and 0.00001; ExAC 0.00002.
gnomAD v4.1: 4 of 1,613,278 alleles (0.00025%); highest among the groups gnomAD compares: Admixed American, 0.005%; no homozygotes.

Submission:

Labcorp Genetics (formerly Invitae), Labcorp
Classification: Uncertain significance for Cernunnos-XLF deficiency. Last evaluated: 2024-10-22. Review status: criteria provided, single submitter. Criteria: Invitae Variant Classification Sherloc (09022015). Collection method: clinical testing. Allele origin: germline.
Comment: This sequence change replaces glycine, which is neutral and non-polar, with aspartic acid, which is acidic and polar, at codon 234 of the NHEJ1 protein (p.Gly234Asp). This variant is present in population databases (rs779328166, gnomAD 0.006%). This variant has not been reported in the literature in individuals affected with NHEJ1-related conditions. ClinVar contains an entry for this variant (Variation ID: 1417056). Invitae Evidence Modeling of protein sequence and biophysical properties (such as structural, functional, and spatial information, amino acid conservation, physicochemical variation, residue mobility, and thermodynamic stability) indicates that this missense variant is not expected to disrupt NHEJ1 protein function with a negative predictive value of 80%. In summary, the available evidence is currently insufficient to determine the role of this variant in disease. Therefore, it has been classified as a Variant of Uncertain Significance.

NM_024782.3(NHEJ1):c.701G>A (p.Gly234Asp)

Gene: NHEJ1 (non-homologous end joining factor 1; minus strand). Cytogenetic location: 2q35.
Variant type: single nucleotide variant.
Coding change: c.701G>A on transcript NM_024782.3 (MANE Select); coding-DNA position 701, G replaced by A.
Protein change: p.Gly234Asp; replaces glycine 234 with aspartic acid.
Molecular consequence: missense variant. On other transcripts: non-coding transcript variant (1).
Genome position (GRCh38, 1-based): chr2:219,078,094, C>T on the plus strand (G>A on the coding strand, the complement: NHEJ1 is on the minus strand). VCF-style: chr2-219078094-C-T. GRCh37 (hg19) VCF-style: chr2-219942816-C-T.
Other names: c.701G>A, p.Gly234Asp (NM_001377498.1, NM_001377499.1); short protein forms G234D.
Identifiers: ClinVar variation 1417056 (VCV001417056.7), dbSNP rs779328166, ClinGen allele CA2116899.
Genomic context (GRCh38, chr2:219,078,094, plus strand): 5'-AAACCTAGATCCTAATTGTATCCTCACACAGACCGGGTACCTCTGGAGGGCTCACCAGCG[C>T]CTTGATGCTTCTGTCCCACTTGGACCTCTTGTGTGGTGACTGCCATATACAGATCCTGCA-3'
Protein context (NP_079058.1, residues 224-244): QEVQVGQKHQ[Gly234Asp]AGDPHTSNSA